The following is an entry in ClinVar:

ClinVar aggregate classification (germline): Uncertain significance. Review status: criteria provided, multiple submitters, no conflicts (2 of 4 stars). 2 submissions from 2 submitters: Uncertain significance (2). Last evaluated 2022-10-17.

Conditions:
Curry-Hall syndrome (WAD). Also called: WEYERS ACRODENTAL DYSOSTOSIS. Identifiers: Orphanet 952, MedGen C0457013, MONDO:0008673, OMIM 193530.
Ellis-van Creveld syndrome (EVC). Also called: Chondroectodermal dysplasia; MESOECTODERMAL DYSPLASIA; EVC-Related Ellis-van Creveld Syndrome; EVC2-Related Ellis-van Creveld Syndrome. Identifiers: Orphanet 289, MedGen C0013903, MONDO:0009162, OMIM 225500.

Allele frequency attached by ClinVar (database versions not stated): gnomAD exomes 0.00003 and 0.00004; gnomAD 0.00019 and 0.00021; TOPMed 0.00063.
gnomAD v4.1: 74 of 1,552,006 alleles (0.0048%); highest among the groups gnomAD compares: Admixed American, 0.076%; no homozygotes.

Submissions (2):

Labcorp Genetics (formerly Invitae), Labcorp
Classification: Uncertain significance for Curry-Hall syndrome; Ellis-van Creveld syndrome. Last evaluated: 2022-10-17. Review status: criteria provided, single submitter. Criteria: Invitae Variant Classification Sherloc (09022015). Collection method: clinical testing. Allele origin: germline.
Comment: This sequence change replaces valine, which is neutral and non-polar, with methionine, which is neutral and non-polar, at codon 603 of the EVC protein (p.Val603Met). The frequency data for this variant in the population databases is considered unreliable, as metrics indicate poor data quality at this position in the gnomAD database. This variant has not been reported in the literature in individuals affected with EVC-related conditions. ClinVar contains an entry for this variant (Variation ID: 284955). Advanced modeling of protein sequence and biophysical properties (such as structural, functional, and spatial information, amino acid conservation, physicochemical variation, residue mobility, and thermodynamic stability) performed at Invitae indicates that this missense variant is not expected to disrupt EVC protein function. In summary, the available evidence is currently insufficient to determine the role of this variant in disease. Therefore, it has been classified as a Variant of Uncertain Significance.

Eurofins Ntd Llc (ga)
Classification: Uncertain significance. Last evaluated: 2015-11-25. Review status: criteria provided, single submitter. Criteria: EGL Classification Definitions 2015. Collection method: clinical testing. Allele origin: germline. Observed: 1 variant allele, 1 heterozygote.

NM_153717.3(EVC):c.1807G>A (p.Val603Met)

Gene: EVC (EvC ciliary complex subunit 1; plus strand). Cytogenetic location: 4p16.2.
Variant type: single nucleotide variant.
Coding change: c.1807G>A on transcript NM_153717.3 (MANE Select); coding-DNA position 1807, G replaced by A.
Protein change: p.Val603Met; replaces valine 603 with methionine.
Molecular consequence: missense variant.
Genome position (GRCh38, 1-based): chr4:5,793,638, G>A. VCF-style: chr4-5793638-G-A. GRCh37 (hg19) VCF-style: chr4-5795365-G-A.
Other names: c.1807G>A, p.Val603Met (NM_001306090.2); short protein forms V603M.
Identifiers: ClinVar variation 284955 (VCV000284955.6), dbSNP rs886042994, ClinGen allele CA10604969.